The following is an entry in ClinVar:

ClinVar aggregate classification (germline): Uncertain significance. Review status: criteria provided, multiple submitters, no conflicts (2 of 4 stars). 2 submissions from 2 submitters: Uncertain significance (2). Last evaluated 2025-09-14.

Conditions:
Hypertrophic cardiomyopathy. Also called: HYPERTROPHIC MYOCARDIOPATHY. Identifiers: Orphanet 217569, MedGen C0007194, MeSH D002312, MONDO:0005045, HP:0001639.

Allele frequency attached by ClinVar (database versions not stated): gnomAD exomes 0.00009 and 0.00019; 1000 Genomes Project 30x 0.00078; 1000 Genomes Project 0.00100; gnomAD 0.00002 and 0.00009; TOPMed 0.00006; ESP Exome Variant Server 0.00008.
gnomAD v4.1: 140 of 1,613,696 alleles (0.0087%); highest among the groups gnomAD compares: South Asian, 0.12%; 2 homozygotes.

Submissions (2):

Labcorp Genetics (formerly Invitae), Labcorp
Classification: Uncertain significance for Hypertrophic cardiomyopathy. Last evaluated: 2025-09-14. Review status: criteria provided, single submitter. Criteria: Invitae Variant Classification Sherloc (09022015). Collection method: clinical testing. Allele origin: germline.
Comment: This sequence change replaces valine, which is neutral and non-polar, with methionine, which is neutral and non-polar, at codon 1596 of the MYOM1 protein (p.Val1596Met). This variant is present in population databases (rs375965840, gnomAD 0.1%), and has an allele count higher than expected for a pathogenic variant. This variant has not been reported in the literature in individuals affected with MYOM1-related conditions. ClinVar contains an entry for this variant (Variation ID: 966594). Invitae Evidence Modeling of protein sequence and biophysical properties (such as structural, functional, and spatial information, amino acid conservation, physicochemical variation, residue mobility, and thermodynamic stability) indicates that this missense variant is not expected to disrupt MYOM1 protein function with a negative predictive value of 80%. In summary, the available evidence is currently insufficient to determine the role of this variant in disease. Therefore, it has been classified as a Variant of Uncertain Significance.

Ambry Genetics
Classification: Uncertain significance. Last evaluated: 2024-05-25. Review status: criteria provided, single submitter. Criteria: Ambry Variant Classification Scheme 2023. Collection method: clinical testing. Allele origin: germline.
Comment: The p.V1596M variant (also known as c.4786G>A), located in coding exon 37 of the MYOM1 gene, results from a G to A substitution at nucleotide position 4786. The valine at codon 1596 is replaced by methionine, an amino acid with highly similar properties. This amino acid position is conserved. In addition, this alteration is predicted to be tolerated by in silico analysis. Since supporting evidence is limited at this time, the clinical significance of this alteration remains unclear.

NM_003803.4(MYOM1):c.4786G>A (p.Val1596Met)

Gene: MYOM1 (myomesin 1; minus strand). Cytogenetic location: 18p11.31.
Variant type: single nucleotide variant.
Coding change: c.4786G>A on transcript NM_003803.4 (MANE Select); coding-DNA position 4786, G replaced by A.
Protein change: p.Val1596Met; replaces valine 1596 with methionine.
Molecular consequence: missense variant.
Genome position (GRCh38, 1-based): chr18:3,067,534, C>T on the plus strand (G>A on the coding strand, the complement: MYOM1 is on the minus strand). VCF-style: chr18-3067534-C-T. GRCh37 (hg19) VCF-style: chr18-3067532-C-T.
Other names: c.4498G>A, p.Val1500Met (NM_019856.2); short protein forms V1596M, V1500M.
Identifiers: ClinVar variation 966594 (VCV000966594.13), dbSNP rs375965840, ClinGen allele CA8873761.